The following is an entry in ClinVar:

NM_000038.6(APC):c.983A>G (p.Asp328Gly)

Gene: APC (APC regulator of Wnt signaling pathway; plus strand). Cytogenetic location: 5q22.2.
Variant type: single nucleotide variant.
Coding change: c.983A>G on transcript NM_000038.6 (MANE Select); coding-DNA position 983, A replaced by G.
Protein change: p.Asp328Gly; replaces aspartic acid 328 with glycine.
Molecular consequence: missense variant. On other transcripts: non-coding transcript variant (2), intron variant (15).
Genome position (GRCh38, 1-based): chr5:112,819,015, A>G. VCF-style: chr5-112819015-A-G. GRCh37 (hg19) VCF-style: chr5-112154712-A-G.
Other names: c.983A>G (NM_000038.5); c.983A>G, p.Asp328Gly (NM_001127510.3, NM_001407447.1, NM_001407448.1 and 4 more transcripts); c.929A>G, p.Asp310Gly (NM_001127511.3); c.899A>G, p.Asp300Gly (NM_001354899.2, NM_001407452.1); c.806A>G, p.Asp269Gly (NM_001354900.2, NM_001354901.2, NM_001407453.1); c.134A>G, p.Asp45Gly (NM_001354906.2, NM_001407470.1); c.1013A>G, p.Asp338Gly (NM_001407446.1, NM_001354897.2); c.908A>G, p.Asp303Gly (NM_001407451.1, NM_001354898.2); and 6 more; short protein forms D269G, D303G, D338G, D310G, D328G, D300G, D45G.
Identifiers: ClinVar variation 2816554 (VCV002816554.4), dbSNP rs2149779353, ClinGen allele CA16023463.

ClinVar aggregate classification (germline): Uncertain significance. Review status: criteria provided, multiple submitters, no conflicts (2 of 4 stars). 2 submissions from 2 submitters: Uncertain significance (2). Last evaluated 2026-01-18.

Conditions:
Familial adenomatous polyposis 1 (FAP1). Also called: FAMILIAL ADENOMATOUS POLYPOSIS 1, ATTENUATED; POLYPOSIS, ADENOMATOUS INTESTINAL. Identifiers: MedGen C2713442, MONDO:0021056, OMIM 175100. Disease mechanism: loss of function.
Hereditary cancer-predisposing syndrome. Also called: Tumor predisposition; Neoplastic Syndromes, Hereditary; Hereditary Cancer Syndrome; Hereditary neoplastic syndrome. Identifiers: Orphanet 140162, MedGen C0027672, MeSH D009386, MONDO:0015356.

Submissions (2):

Ambry Genetics
Classification: Uncertain significance for Hereditary cancer-predisposing syndrome. Last evaluated: 2026-01-18. Review status: criteria provided, single submitter. Criteria: Ambry Variant Classification Scheme 2023. Collection method: clinical testing. Allele origin: germline.
Comment: The p.D328G variant (also known as c.983A>G), located in coding exon 9 of the APC gene, results from an A to G substitution at nucleotide position 983. The aspartic acid at codon 328 is replaced by glycine, an amino acid with similar properties. This amino acid position is conserved. In addition, in silico predictors for this gene do not accurately predict pathogenicity. Based on the available evidence, the clinical significance of this variant remains unclear.

Labcorp Genetics (formerly Invitae), Labcorp
Classification: Uncertain significance for Familial adenomatous polyposis 1. Last evaluated: 2022-11-24. Review status: criteria provided, single submitter. Criteria: Invitae Variant Classification Sherloc (09022015). Collection method: clinical testing. Allele origin: germline.
Comment: In summary, the available evidence is currently insufficient to determine the role of this variant in disease. Therefore, it has been classified as a Variant of Uncertain Significance. Advanced modeling of protein sequence and biophysical properties (such as structural, functional, and spatial information, amino acid conservation, physicochemical variation, residue mobility, and thermodynamic stability) performed at Invitae indicates that this missense variant is not expected to disrupt APC protein function. This variant has not been reported in the literature in individuals affected with APC-related conditions. This variant is not present in population databases (gnomAD no frequency). This sequence change replaces aspartic acid, which is acidic and polar, with glycine, which is neutral and non-polar, at codon 328 of the APC protein (p.Asp328Gly).